The following is an entry in ClinVar:

ClinVar aggregate classification (germline): Uncertain significance (1 of 4 stars; one submission).

Conditions:
Developmental and epileptic encephalopathy 94 (DEE94). Also called: CHD2-Related Neurodevelopmental Disorders; Epileptic encephalopathy, childhood-onset. Identifiers: Orphanet 1942, Orphanet 2382, MedGen C3809278, MONDO:0014150, OMIM 615369.

Submission:

Labcorp Genetics (formerly Invitae), Labcorp
Classification: Uncertain significance for Developmental and epileptic encephalopathy 94. Last evaluated: 2020-12-19. Review status: criteria provided, single submitter. Criteria: Invitae Variant Classification Sherloc (09022015). Collection method: clinical testing. Allele origin: germline.
Comment: In summary, the available evidence is currently insufficient to determine the role of this variant in disease. Therefore, it has been classified as a Variant of Uncertain Significance. Algorithms developed to predict the effect of missense changes on protein structure and function (SIFT, PolyPhen-2, Align-GVGD) all suggest that this variant is likely to be disruptive, but these predictions have not been confirmed by published functional studies and their clinical significance is uncertain. This variant has not been reported in the literature in individuals with CHD2-related conditions. This variant is not present in population databases (ExAC no frequency). This sequence change replaces lysine with glutamic acid at codon 585 of the CHD2 protein (p.Lys585Glu). The lysine residue is highly conserved and there is a small physicochemical difference between lysine and glutamic acid.

NM_001271.4(CHD2):c.1753A>G (p.Lys585Glu)

Gene: CHD2 (chromodomain helicase DNA binding protein 2; plus strand). Cytogenetic location: 15q26.1.
Variant type: single nucleotide variant.
Coding change: c.1753A>G on transcript NM_001271.4 (MANE Select); coding-DNA position 1753, A replaced by G.
Protein change: p.Lys585Glu; replaces lysine 585 with glutamic acid.
Molecular consequence: missense variant.
Genome position (GRCh38, 1-based): chr15:92,955,456, A>G. VCF-style: chr15-92955456-A-G. GRCh37 (hg19) VCF-style: chr15-93498686-A-G.
Other names: short protein forms K585E.
Identifiers: ClinVar variation 1494985 (VCV001494985.8), dbSNP rs2141814847, ClinGen allele CA393905580.